The following is an entry in ClinVar:

ClinVar aggregate classification (germline): Uncertain significance (1 of 4 stars; one submission).

Conditions:
Combined immunodeficiency due to ORAI1 deficiency. Also called: IMMUNODEFICIENCY 9. Identifiers: Orphanet 169090, Orphanet 317428, MedGen C2748568, MONDO:0013007, OMIM 612782.
Myopathy, tubular aggregate, 2 (TAM2). Identifiers: MedGen C4014557, MONDO:0014383, OMIM 615883.

Submission:

Labcorp Genetics (formerly Invitae), Labcorp
Classification: Uncertain significance for Myopathy, tubular aggregate, 2; Combined immunodeficiency due to ORAI1 deficiency. Last evaluated: 2025-11-28. Review status: criteria provided, single submitter. Criteria: Invitae Variant Classification Sherloc (09022015). Collection method: clinical testing. Allele origin: germline.
Comment: This sequence change replaces aspartic acid, which is acidic and polar, with glutamic acid, which is acidic and polar, at codon 54 of the ORAI1 protein (p.Asp54Glu). This variant is not present in population databases (gnomAD no frequency). This variant has not been reported in the literature in individuals affected with ORAI1-related conditions. Experimental studies and prediction algorithms are not available or were not evaluated, and the functional significance of this variant is currently unknown. In summary, the available evidence is currently insufficient to determine the role of this variant in disease. Therefore, it has been classified as a Variant of Uncertain Significance.

NC_000012.12:g.121626909C>G

Genes: ORAI1 (ORAI calcium release-activated calcium modulator 1; plus strand), LOC130008987 (ATAC-STARR-seq lymphoblastoid silent region 4981; plus strand). Cytogenetic location: 12q24.31.
Variant type: single nucleotide variant.
Molecular consequence: non-coding transcript variant (on NR_186857.1).
Genome position: GRCh38 VCF-style: chr12-121626909-C-G. GRCh37 (hg19) VCF-style: chr12-122064815-C-G.
Identifiers: ClinVar variation 4794787 (VCV004794787.1).